The following is an entry in ClinVar:

NM_006734.4(HIVEP2):c.6609T>C (p.Pro2203=)

Gene: HIVEP2 (HIVEP zinc finger 2; minus strand). Cytogenetic location: 6q24.2.
Variant type: single nucleotide variant.
Coding change: c.6609T>C on transcript NM_006734.4 (MANE Select); coding-DNA position 6609, T replaced by C.
Protein change: p.Pro2203=; no amino-acid change (proline 2203 retained).
Molecular consequence: synonymous variant.
Genome position (GRCh38, 1-based): chr6:142,753,839, A>G on the plus strand (T>C on the coding strand, the complement: HIVEP2 is on the minus strand). VCF-style: chr6-142753839-A-G. GRCh37 (hg19) VCF-style: chr6-143074976-A-G.
Other names: c.6609T>C (NM_006734.3).
Identifiers: ClinVar variation 2055521 (VCV002055521.6), dbSNP rs564005289, ClinGen allele CA4027649.
Genomic context (GRCh38, chr6:142,753,839, plus strand): 5'-TCGCACTTGTTGCTGAGAGTGGAGTGGAAGATGACTGAAGACATAGTCATTAGGACCCTC[A>G]GGGAAAAGGCTGGAGCCTGGATGTTCATAAGCACCTTCTTGGTCTCCATAGAGACTGAAG-3'
Protein context (NP_006725.3, residues 2193-2213): AYEHPGSSLF[Pro2203=]EGPNDYVFSH

ClinVar aggregate classification (germline): Benign. Review status: criteria provided, single submitter (1 of 4 stars). 2 submissions from 2 submitters: Benign (1). 1 of the submissions does not count toward it. Last evaluated 2025-08-11.

Conditions:
HIVEP2-related disorder. Also called: HIVEP2-related condition.

Allele frequency attached by ClinVar (database versions not stated): gnomAD 0.00002; TOPMed 0.00002; gnomAD exomes 0.00004; ExAC 0.00012; 1000 Genomes Project 30x 0.00016; 1000 Genomes Project 0.00020.
gnomAD v4.1: 77 of 1,613,814 alleles (0.0048%); highest among the groups gnomAD compares: South Asian, 0.052%; no homozygotes.

Submissions (2):

Labcorp Genetics (formerly Invitae), Labcorp
Classification: Benign. Last evaluated: 2025-08-11. Review status: criteria provided, single submitter. Criteria: Invitae Variant Classification Sherloc (09022015). Collection method: clinical testing. Allele origin: germline.

PreventionGenetics, part of Exact Sciences
Classification: Likely benign for HIVEP2-related condition. Last evaluated: 2019-02-28. Review status: no assertion criteria provided. Collection method: clinical testing. Allele origin: germline. Not counted in ClinVar's aggregate classification.
Comment: This variant is classified as likely benign based on ACMG/AMP sequence variant interpretation guidelines (Richards et al. 2015 PMID: 25741868, with internal and published modifications).